The following is an entry in ClinVar:

NM_016356.5(DCDC2):c.705-2A>G

Gene: DCDC2 (doublecortin domain containing 2; minus strand). Cytogenetic location: 6p22.3.
Variant type: single nucleotide variant.
Coding change: c.705-2A>G on transcript NM_016356.5 (MANE Select); the canonical splice acceptor site of the intron before coding-DNA position 705, A replaced by G.
Molecular consequence: splice acceptor variant.
Genome position (GRCh38, 1-based): chr6:24,288,908, T>C on the plus strand (A>G on the coding strand, the complement: DCDC2 is on the minus strand). VCF-style: chr6-24288908-T-C. GRCh37 (hg19) VCF-style: chr6-24289136-T-C.
Other names: c.705-2A>G (NM_001195610.2).
Identifiers: ClinVar variation 2634418 (VCV002634418.6), dbSNP rs762516961, ClinGen allele CA3654680.

ClinVar aggregate classification (germline): Pathogenic. Review status: criteria provided, multiple submitters, no conflicts (2 of 4 stars). 3 submissions from 3 submitters: Pathogenic (3). Last evaluated 2025-01-21.

Conditions:
DCDC2-related disorder. Also called: DCDC2-related condition.
Isolated neonatal sclerosing cholangitis (NSC). Also called: Sclerosing cholangitis, neonatal. Identifiers: Orphanet 480556, MedGen C4479344, MONDO:0018816, OMIM 617394.
Autosomal recessive nonsyndromic hearing loss 66 (DFNB66). Also called: Deafness, autosomal recessive 66. Identifiers: Orphanet 90636, MedGen C1857750, MONDO:0012442, OMIM 610212.
Nephronophthisis 19 (NPHP19). Identifiers: Orphanet 84081, MedGen C4015542, MONDO:0014537, OMIM 616217.

Allele frequency attached by ClinVar (database versions not stated): gnomAD exomes below 0.00001; ExAC 0.00001.
gnomAD v4.1: 2 of 1,594,556 alleles (0.00013%); highest among the groups gnomAD compares: East Asian, 0.0022%; no homozygotes.

Submissions (3):

Labcorp Genetics (formerly Invitae), Labcorp
Classification: Pathogenic for Autosomal recessive nonsyndromic hearing loss 66; Isolated neonatal sclerosing cholangitis. Last evaluated: 2025-01-21. Review status: criteria provided, single submitter. Criteria: Invitae Variant Classification Sherloc (09022015). Collection method: clinical testing. Allele origin: germline.
Comment: This sequence change affects an acceptor splice site in intron 5 of the DCDC2 gene. It is expected to disrupt RNA splicing. Variants that disrupt the donor or acceptor splice site typically lead to a loss of protein function (PMID: 16199547), and loss-of-function variants in DCDC2 are known to be pathogenic (PMID: 25557784, 27319779, 27469900). This variant is not present in population databases (gnomAD no frequency). Disruption of this splice site has been observed in individual(s) with autosomal recessive neonatal sclerosing cholangitis (PMID: 32205117). It has also been observed to segregate with disease in related individuals. ClinVar contains an entry for this variant (Variation ID: 2634418). Algorithms developed to predict the effect of sequence changes on RNA splicing suggest that this variant may disrupt the consensus splice site. For these reasons, this variant has been classified as Pathogenic.

PreventionGenetics, part of Exact Sciences
Classification: Pathogenic for DCDC2-related condition. Last evaluated: 2022-12-01. Review status: criteria provided, single submitter. Criteria: ACMG Guidelines, 2015. Collection method: clinical testing. Allele origin: germline.
Comment: The DCDC2 c.705-2A>G variant is predicted to disrupt the AG splice acceptor site and interfere with normal splicing. In a compound heterozygous state with a truncating variant, this variant has been reported to be pathogenic for neonatal sclerosing cholangitis (Lin et al. 2020. PubMed ID: 32205117). This variant is reported in 0.0058% of alleles in individuals of East Asian descent in gnomAD. Variants that disrupt the consensus splice acceptor site in DCDC2 are expected to be pathogenic. This variant is interpreted as pathogenic.

Juno Genomics, Hangzhou Juno Genomics, Inc
Classification: Pathogenic for Autosomal recessive nonsyndromic hearing loss 66; Nephronophthisis 19. Review status: criteria provided, single submitter. Criteria: ACMG Guidelines, 2015. Collection method: clinical testing. Allele origin: germline. Affected: yes.
Comment: Null variant in a gene where loss of function (LOF) is a known mechanism of disease.;Absent from controls (or at extremely low frequency if recessive) in Genome Aggregation Database, Exome Sequencing Project, 1000 Genomes Project, or Exome Aggregation Consortium.;For recessive disorders, detected in trans with a pathogenic variant.;Co-segregation with disease in multiple affected family members in a gene definitively known to cause the disease.

Literature cited by the submitters: PubMed 16199547 (cited by Labcorp Genetics (formerly Invitae), Labcorp); PubMed 25557784 (cited by Labcorp Genetics (formerly Invitae), Labcorp); PubMed 27319779 (cited by Labcorp Genetics (formerly Invitae), Labcorp); PubMed 27469900 (cited by Labcorp Genetics (formerly Invitae), Labcorp); PubMed 32205117 (cited by Labcorp Genetics (formerly Invitae), Labcorp).